The following is an entry in ClinVar:

NM_000426.4(LAMA2):c.7555A>T (p.Lys2519Ter)

Gene: LAMA2 (laminin subunit alpha 2; plus strand). Cytogenetic location: 6q22.33.
Variant type: single nucleotide variant.
Coding change: c.7555A>T on transcript NM_000426.4 (MANE Select); coding-DNA position 7555, A replaced by T.
Protein change: p.Lys2519Ter; replaces lysine 2519 with a stop codon.
Molecular consequence: nonsense.
Genome position (GRCh38, 1-based): chr6:129,478,796, A>T. VCF-style: chr6-129478796-A-T. GRCh37 (hg19) VCF-style: chr6-129799941-A-T.
Other names: c.7543A>T, p.Lys2515Ter (NM_001079823.2); short protein forms K2515*, K2519*.
Identifiers: ClinVar variation 5012533 (VCV005012533.1).
Genomic context (GRCh38, chr6:129,478,796, plus strand): 5'-ATTGAAATTTCAAGAACTCCGTACAATATACTCAGTAGTCCCGATTATGTTGGTGTTACC[A>T]AAGGATGTTCCCTGGAGGTTGGTCTGTTTTTGATAGTTCTCTAAACACATTTATATCAGA-3'

ClinVar aggregate classification (germline): Pathogenic (1 of 4 stars; one submission).

Conditions:
LAMA2-related muscular dystrophy (LAMA2-RD). Also called: Laminin alpha 2-related dystrophy. Identifiers: MedGen C5679788, MONDO:0100228.

Submission:

Myriad Genetics, Inc.
Classification: Pathogenic for LAMA2-related muscular dystrophy. Last evaluated: 2023-12-02. Review status: criteria provided, single submitter. Criteria: Myriad Autosomal Dominant, Autosomal Recessive and X-Linked Classification Criteria (2023). Collection method: clinical testing. Allele origin: unknown.
Comment: NM_000426.3(LAMA2):c.7555A>T(K2519*) is expected to be pathogenic in the context of muscular dystrophy, LAMA2-related. This variant is predicted to lead to an abnormal or absent protein product due to the creation of a premature termination codon in LAMA2, a gene where loss-of-function variants are known to be pathogenic. Please note: this variant was assessed in the context of healthy population screening.